The following is an entry in ClinVar:

NM_003126.4(SPTA1):c.4419_4420delinsTT (p.Arg1474Trp)

Gene: SPTA1 (spectrin alpha, erythrocytic 1; minus strand). Cytogenetic location: 1q23.1.
Variant type: Indel.
Coding change: c.4419_4420delinsTT on transcript NM_003126.4 (MANE Select); coding-DNA positions 4419 to 4420, GC replaced by TT.
Protein change: p.Arg1474Trp; replaces arginine 1474 with tryptophan.
Molecular consequence: missense variant.
Genome position (GRCh38, 1-based): chr1:158,643,344-158,643,345, GC replaced by AA on the plus strand (GC replaced by TT on the coding strand, the reverse complement: SPTA1 is on the minus strand). VCF-style: chr1-158643344-GC-AA. GRCh37 (hg19) VCF-style: chr1-158613134-GC-AA.
Other names: p.Arg1474Trp; short protein forms R1474W.
Identifiers: ClinVar variation 2682665 (VCV002682665.1), dbSNP rs2525031068, ClinGen allele CA2697554582.

ClinVar aggregate classification (germline): Uncertain significance (1 of 4 stars; one submission).

Submission:

Mayo Clinic Laboratories, Mayo Clinic
Classification: Uncertain significance. Last evaluated: 2022-07-19. Review status: criteria provided, single submitter. Criteria: ACMG Guidelines, 2015. Collection method: clinical testing. Allele origin: germline. Observed: 1 variant allele.
Comment: PM2